The following is an entry in ClinVar:

NM_006390.4(IPO8):c.2214A>C (p.Ala738=)

Gene: IPO8 (importin 8; minus strand). Cytogenetic location: 12p11.21.
Variant type: single nucleotide variant.
Coding change: c.2214A>C on transcript NM_006390.4 (MANE Select); coding-DNA position 2214, A replaced by C.
Protein change: p.Ala738=; no amino-acid change (alanine 738 retained).
Molecular consequence: synonymous variant.
Genome position (GRCh38, 1-based): chr12:30,649,191, T>G on the plus strand (A>C on the coding strand, the complement: IPO8 is on the minus strand). VCF-style: chr12-30649191-T-G. GRCh37 (hg19) VCF-style: chr12-30802125-T-G.
Other names: c.1599A>C, p.Ala533= (NM_001190995.2).
Identifiers: ClinVar variation 3234727 (VCV003234727.20), dbSNP rs1233787666, ClinGen allele CA479122152.
Genomic context (GRCh38, chr12:30,649,191, plus strand): 5'-TATTACCTGATCAATTCCCCTTCCTTTGCACTGAAGAATGATGACTTCCAGAAGTTTAGC[T>G]GCATGACACTCTGCATCTTCTCCTGCATCTCCACATAGTACCTGCAGTAATTACAATTTA-3'
Protein context (NP_006381.2, residues 728-748): GDAGEDAECH[Ala738=]AKLLEVIILQ

ClinVar aggregate classification (germline): Likely benign (1 of 4 stars; one submission).

Allele frequency attached by ClinVar (database versions not stated): TOPMed below 0.00001; gnomAD 0.00001.
gnomAD v4.1: 1 of 1,613,296 alleles (0.000062%); highest among the groups gnomAD compares: Non-Finnish European, 0.000085%; no homozygotes.

Submission:

CeGaT Center for Human Genetics Tuebingen
Classification: Likely benign. Last evaluated: 2024-04-01. Review status: criteria provided, single submitter. Criteria: CeGaT Center For Human Genetics Tuebingen Variant Classification Criteria Version 2. Collection method: clinical testing. Allele origin: germline. Affected: yes. Observed: 1 variant allele.
Comment: IPO8: BP4, BP7